The following is an entry in ClinVar:

ClinVar aggregate classification (germline): Pathogenic (1 of 4 stars; one submission).

Conditions:
Hereditary cancer-predisposing syndrome. Also called: Neoplastic Syndromes, Hereditary; Hereditary Cancer Syndrome; Hereditary neoplastic syndrome; Tumor predisposition. Identifiers: Orphanet 140162, MedGen C0027672, MeSH D009386, MONDO:0015356.

Submission:

Ambry Genetics
Classification: Pathogenic for Hereditary cancer-predisposing syndrome. Last evaluated: 2023-05-16. Review status: criteria provided, single submitter. Criteria: Ambry Variant Classification Scheme 2023. Collection method: clinical testing. Allele origin: germline.
Comment: The c.357delA pathogenic mutation, located in coding exon 3 of the BRCA2 gene, results from a deletion of one nucleotide at nucleotide position 357, causing a translational frameshift with a predicted alternate stop codon (p.V120*). This variant is considered to be rare based on population cohorts in the Genome Aggregation Database (gnomAD). This alteration is expected to result in loss of function by premature protein truncation or nonsense-mediated mRNA decay. As such, this alteration is interpreted as a disease-causing mutation.

NM_000059.4(BRCA2):c.357del (p.Thr119_Val120insTer)

Gene: BRCA2 (BRCA2 DNA repair associated; plus strand). Cytogenetic location: 13q13.1.
Variant type: Deletion.
Coding change: c.357del on transcript NM_000059.4 (MANE Select); coding-DNA position 357, one base deleted (A; older notation c.357delA).
Protein change: p.Thr119_Val120insTer.
Molecular consequence: frameshift variant. On other transcripts: 5 prime UTR variant (1), non-coding transcript variant (1).
Genome position (GRCh38, 1-based): chr13:32,325,116, A deleted. VCF-style (leftmost placement, unchanged base first): chr13-32325115-CA-C. GRCh37 (hg19) VCF-style: chr13-32899252-CA-C.
Other names: c.357del, p.Thr119_Val120insTer (NM_001406719.1, NM_001406720.1, NM_001406721.1); c.-13del (NM_001406722.1).
Identifiers: ClinVar variation 2566011 (VCV002566011.2), dbSNP rs2548514033, ClinGen allele CA2580614642.
Genomic context (GRCh38, chr13:32,325,115, plus strand): 5'-TGAATTATTGTACTGTTTCAGGAAGGAATGTTCCCAATAGTAGACATAAAAGTCTTCGCA[CA>C]GTGAAAACTAAAATGGATCAAGCAGATGATGTTTCCTGTCCACTTCTAAATTCTTGTCTT-3'